The following is an entry in ClinVar:

ClinVar aggregate classification (germline): Conflicting classifications of pathogenicity. Review status: criteria provided, conflicting classifications (1 of 4 stars). 4 submissions from 4 submitters: Uncertain significance (2); Benign (1). 1 of the submissions does not count toward it. Last evaluated 2025-12-11.

Conditions:
SETX-related disorder. Also called: SETX-related disorders; SETX-related condition. Identifiers: MedGen CN239403.
Spinocerebellar ataxia, autosomal recessive, with axonal neuropathy 2 (SCAN2). Also called: ATAXIA-OCULOMOTOR APRAXIA 2; Ataxia-ocular apraxia-2; Ataxia with Oculomotor Apraxia Type 2; Ataxia with Oculomotor Apraxia. Identifiers: Orphanet 64753, MedGen C1853761, MONDO:0018996, OMIM 606002.
Amyotrophic lateral sclerosis type 4 (ALS4). Also called: AMYOTROPHIC LATERAL SCLEROSIS 4, JUVENILE; NEURONOPATHY, DISTAL HEREDITARY MOTOR, WITH PYRAMIDAL FEATURES. Identifiers: Orphanet 357043, MedGen C1865409, MONDO:0011223, OMIM 602433.

Allele frequency attached by ClinVar (database versions not stated): gnomAD 0.00004 and 0.00005; TOPMed 0.00004; gnomAD exomes 0.00001 and below 0.00001; ExAC 0.00001.
gnomAD v4.1: 11 of 1,614,046 alleles (0.00068%); highest among the groups gnomAD compares: African/African-American, 0.015%; no homozygotes.

Submissions (4):

Women's Health and Genetics/Laboratory Corporation of America, LabCorp
Classification: Uncertain significance. Last evaluated: 2025-12-11. Review status: criteria provided, single submitter. Criteria: LabCorp Variant Classification Summary - May 2015. Collection method: clinical testing. Allele origin: germline.
Comment: Variant summary: SETX c.4252C>G (p.Pro1418Ala) results in a non-conservative amino acid change in the encoded protein sequence. Algorithms developed to predict the effect of missense changes on protein structure and function are either unavailable or do not agree on the potential impact of this missense change. The variant allele was found at a frequency of 8e-06 in 251394 control chromosomes. The available data on variant occurrences in the general population are insufficient to allow any conclusion about variant significance. To our knowledge, no occurrence of c.4252C>G in individuals affected with SETX-related conditions and no experimental evidence demonstrating its impact on protein function have been reported. ClinVar contains an entry for this variant (Variation ID: 994755). Based on the evidence outlined above, the variant was classified as uncertain significance.

Labcorp Genetics (formerly Invitae), Labcorp
Classification: Benign for Amyotrophic lateral sclerosis type 4; Spinocerebellar ataxia, autosomal recessive, with axonal neuropathy 2. Last evaluated: 2024-03-13. Review status: criteria provided, single submitter. Criteria: Invitae Variant Classification Sherloc (09022015). Collection method: clinical testing. Allele origin: germline.

Athena Diagnostics
Classification: Uncertain significance. Last evaluated: 2020-02-14. Review status: criteria provided, single submitter. Criteria: Athena Diagnostics Criteria. Collection method: clinical testing. Allele origin: unknown.

PreventionGenetics, part of Exact Sciences
Classification: Uncertain significance for SETX-related condition. Last evaluated: 2024-05-08. Review status: no assertion criteria provided. Collection method: clinical testing. Allele origin: germline. Not counted in ClinVar's aggregate classification.
Comment: The SETX c.4252C>G variant is predicted to result in the amino acid substitution p.Pro1418Ala. To our knowledge, this variant has not been reported in the literature. This variant is reported in 0.016% of alleles in individuals of African descent in gnomAD. At this time, the clinical significance of this variant is uncertain due to the absence of conclusive functional and genetic evidence.

NM_015046.7(SETX):c.4252C>G (p.Pro1418Ala)

Gene: SETX (senataxin; minus strand). Cytogenetic location: 9q34.13.
Variant type: single nucleotide variant.
Coding change: c.4252C>G on transcript NM_015046.7 (MANE Select); coding-DNA position 4252, C replaced by G.
Protein change: p.Pro1418Ala; replaces proline 1418 with alanine.
Molecular consequence: missense variant.
Genome position (GRCh38, 1-based): chr9:132,327,346, G>C on the plus strand (C>G on the coding strand, the complement: SETX is on the minus strand). VCF-style: chr9-132327346-G-C. GRCh37 (hg19) VCF-style: chr9-135202733-G-C.
Other names: c.4252C>G, p.Pro1418Ala (NM_001351527.2, NM_001351528.2); short protein forms P1418A.
Identifiers: ClinVar variation 994755 (VCV000994755.5), dbSNP rs747356601, ClinGen allele CA5297233.